The following is an entry in ClinVar:

ClinVar aggregate classification (germline): Likely pathogenic (1 of 4 stars; one submission).

Conditions:
Ehlers-Danlos syndrome, type 4 (EDSVASC). Also called: Ehlers-Danlos syndrome vascular type; Ehlers Danlos syndrome, ecchymotic type; Ehlers Danlos syndrome, arterial type; Ehlers Danlos syndrome, Sack-Barabas type; Ehlers-Danlos Syndrome Type IV. Identifiers: Orphanet 286, MedGen C0268338, MONDO:0017314, OMIM 130050.

Submission:

Labcorp Genetics (formerly Invitae), Labcorp
Classification: Likely pathogenic for Ehlers-Danlos syndrome, type 4. Last evaluated: 2018-11-08. Review status: criteria provided, single submitter. Criteria: Invitae Variant Classification Sherloc (09022015). Collection method: clinical testing. Allele origin: germline.
Comment: In summary, the currently available evidence indicates that the variant is pathogenic, but additional data are needed to prove that conclusively. Therefore, this variant has been classified as Likely Pathogenic. Glycine residues within the Gly-Xaa-Yaa repeats of the triple helix domain are required for the structure and stability of fibrillar collagens (PMID: 7695699, 8218237, 19344236). In COL3A1, missense variants at these glycine residues are significantly enriched in individuals with disease (PMID: 24922459, 25758994) compared to the general population (ExAC). This variant has been observed in individuals referred for COL3A1 testing (PMID: 25834947). This variant is not present in population databases (ExAC no frequency). This sequence change replaces glycine with valine at codon 1089 of the COL3A1 protein (p.Gly1089Val). The glycine residue is highly conserved and there is a moderate physicochemical difference between glycine and valine.

Literature cited by the submitters: PubMed 7695699; PubMed 8218237; PubMed 19344236; PubMed 24922459; PubMed 25758994; PubMed 25834947.

NM_000090.4(COL3A1):c.3266G>T (p.Gly1089Val)

Gene: COL3A1 (collagen type III alpha 1 chain; plus strand). Cytogenetic location: 2q32.2.
Variant type: single nucleotide variant.
Coding change: c.3266G>T on transcript NM_000090.4 (MANE Select); coding-DNA position 3266, G replaced by T.
Protein change: p.Gly1089Val; replaces glycine 1089 with valine.
Molecular consequence: missense variant.
Genome position (GRCh38, 1-based): chr2:189,007,510, G>T. VCF-style: chr2-189007510-G-T. GRCh37 (hg19) VCF-style: chr2-189872236-G-T.
Other names: short protein forms G1089V.
Identifiers: ClinVar variation 199740 (VCV000199740.9), dbSNP rs587779672, ClinGen allele CA006260.